The following is an entry in ClinVar:

ClinVar aggregate classification (germline): Conflicting classifications of pathogenicity. Review status: criteria provided, conflicting classifications (1 of 4 stars). 8 submissions from 8 submitters: Uncertain significance (5); Likely benign (3). Last evaluated 2026-04-07.

Conditions:
COL12A1-related disorder. Also called: COL12A1-related condition.
Ullrich congenital muscular dystrophy 2 (UCMD2). Identifiers: Orphanet 75840, MedGen C4225314, MONDO:0014654, OMIM 616470.
Bethlem myopathy 2 (BTHLM2). Identifiers: Orphanet 536516, Orphanet 610, MedGen C4225313, MONDO:0034022, OMIM 616471.

Allele frequency attached by ClinVar (database versions not stated): 1000 Genomes Project 0.00040; gnomAD 0.00050 and 0.00053; TOPMed 0.00053; ESP Exome Variant Server 0.00016; ExAC 0.00022; gnomAD exomes 0.00060 and 0.00029; 1000 Genomes Project 30x 0.00031.
gnomAD v4.1: 940 of 1,613,816 alleles (0.058%); highest among the groups gnomAD compares: Non-Finnish European, 0.073%; no homozygotes.

Submissions (8):

Women's Health and Genetics/Laboratory Corporation of America, LabCorp
Classification: Uncertain significance. Last evaluated: 2026-04-07. Review status: criteria provided, single submitter. Criteria: LabCorp Variant Classification Summary - May 2015. Collection method: clinical testing. Allele origin: germline.
Comment: Variant summary: COL12A1 c.3835+4A>G alters a non-conserved nucleotide located close to a canonical splice site and therefore could affect mRNA splicing, leading to a significantly altered protein sequence. Several computational tools predict a significant impact on normal splicing: four predict the variant slightly weakens the canonical 5' donor site, and strengthens/creates a cryptic, intronic 5' donor site, 4 nucleotides downstream from the canonical site. However, these predictions have yet to be confirmed by functional studies. The variant allele was found at a frequency of 0.00029 in 248854 control chromosomes. This frequency is not significantly higher than estimated for disease-causing variants in COL12A1, allowing no conclusion about variant significance. To our knowledge, no occurrence of c.3835+4A>G in individuals affected with COL12A1-related conditions and no experimental evidence demonstrating its impact on protein function have been reported. ClinVar contains an entry for this variant (Variation ID: 575462). Based on the evidence outlined above, the variant was classified as uncertain significance.

Labcorp Genetics (formerly Invitae), Labcorp
Classification: Uncertain significance for Bethlem myopathy 2; Ullrich congenital muscular dystrophy 2. Last evaluated: 2026-01-25. Review status: criteria provided, single submitter. Criteria: Invitae Variant Classification Sherloc (09022015). Collection method: clinical testing. Allele origin: germline.
Comment: This sequence change falls in intron 19 of the COL12A1 gene. It does not directly change the encoded amino acid sequence of the COL12A1 protein. It affects a nucleotide within the consensus splice site. This variant is present in population databases (rs187358458, gnomAD 0.05%). This variant has not been reported in the literature in individuals affected with COL12A1-related conditions. ClinVar contains an entry for this variant (Variation ID: 575462). Variants that disrupt the consensus splice site are a relatively common cause of aberrant splicing (PMID: 17576681, 9536098). Algorithms developed to predict the effect of sequence changes on RNA splicing suggest that this variant is not likely to affect RNA splicing. In summary, the available evidence is currently insufficient to determine the role of this variant in disease. Therefore, it has been classified as a Variant of Uncertain Significance.

CeGaT Center for Human Genetics Tuebingen
Classification: Likely benign. Last evaluated: 2026-01-01. Review status: criteria provided, single submitter. Criteria: CeGaT Center For Human Genetics Tuebingen Variant Classification Criteria Version 2. Collection method: clinical testing. Allele origin: germline. Affected: yes. Observed: 2 variant alleles.
Comment: COL12A1: BP4

Mayo Clinic Laboratories, Mayo Clinic
Classification: Likely benign. Last evaluated: 2025-09-27. Review status: criteria provided, single submitter. Criteria: ACMG Guidelines, 2015. Collection method: clinical testing. Allele origin: germline. Observed: 3 variant alleles.
Comment: BS1, BP4, BP7

PreventionGenetics, part of Exact Sciences
Classification: Uncertain significance for COL12A1-related condition. Last evaluated: 2025-09-26. Review status: criteria provided, single submitter. Criteria: ACMG Guidelines, 2015. Collection method: clinical testing. Allele origin: germline.
Comment: The COL12A1 c.3835+4A>G variant is predicted to interfere with splicing. This variant is predicted to alter splicing based on available splicing prediction programs (Alamut Visual v1.6.1). However, the use of computer prediction programs is not equivalent to functional evidence. To our knowledge, this variant has not been reported in the literature. This variant is reported in 0.049% of alleles in individuals of European (Non-Finnish) descent in gnomAD. Although we suspect that this variant may be benign, at this time, the clinical significance of this variant is uncertain due to the absence of conclusive functional and genetic evidence.

Blueprint Genetics
Classification: Uncertain significance. Last evaluated: 2024-09-25. Review status: criteria provided, single submitter. Criteria: ACMG Guidelines, 2015. Collection method: clinical testing. Allele origin: germline.

Revvity Omics, Revvity
Classification: Uncertain significance. Last evaluated: 2023-07-14. Review status: criteria provided, single submitter. Criteria: ACMG Guidelines, 2015. Collection method: clinical testing. Allele origin: germline.

GeneDx
Classification: Likely benign. Last evaluated: 2020-11-13. Review status: criteria provided, single submitter. Criteria: GeneDx Variant Classification Process June 2021. Collection method: clinical testing. Allele origin: germline. Affected: yes.

Literature cited by the submitters: PubMed 17576681 (cited by Labcorp Genetics (formerly Invitae), Labcorp); PubMed 9536098 (cited by Labcorp Genetics (formerly Invitae), Labcorp).

NM_004370.6(COL12A1):c.3835+4A>G

Gene: COL12A1 (collagen type XII alpha 1 chain; minus strand). Cytogenetic location: 6q13.
Variant type: single nucleotide variant.
Coding change: c.3835+4A>G on transcript NM_004370.6 (MANE Select); 4 bases into the intron after coding-DNA position 3835, A replaced by G.
Molecular consequence: intron variant.
Genome position (GRCh38, 1-based): chr6:75,152,127, T>C on the plus strand (A>G on the coding strand, the complement: COL12A1 is on the minus strand). VCF-style: chr6-75152127-T-C. GRCh37 (hg19) VCF-style: chr6-75861843-T-C.
Other names: p.?; c.343+4A>G (NM_080645.3).
Identifiers: ClinVar variation 575462 (VCV000575462.69), dbSNP rs187358458, ClinGen allele CA3893612.